The following is an entry in ClinVar:

ClinVar aggregate classification (germline): Uncertain significance. Review status: criteria provided, multiple submitters, no conflicts (2 of 4 stars). 4 submissions from 4 submitters: Uncertain significance (4). Last evaluated 2026-02-17.

Conditions:
Ehlers-Danlos syndrome, classic type, 1 (EDSCL1). Also called: EHLERS-DANLOS SYNDROME, GRAVIS TYPE; EHLERS-DANLOS SYNDROME, SEVERE CLASSIC TYPE; EDS I; Ehlers-Danlos Syndrome, Classic Type, COL5A1-Related; Ehlers-Danlos syndrome, type 1. Identifiers: MedGen C0268335, MONDO:0019567, OMIM 130000.
Familial thoracic aortic aneurysm and aortic dissection (TAAD). Also called: Thoracic aortic aneurysms and dissections. Identifiers: Orphanet 91387, MedGen C4707243, MONDO:0019625.

Allele frequency attached by ClinVar (database versions not stated): ESP Exome Variant Server 0.00008; gnomAD exomes below 0.00001.
gnomAD v4.1: 3 of 1,613,366 alleles (0.00019%); highest among the groups gnomAD compares: Admixed American, 0.0017%; no homozygotes.

Submissions (4):

Women's Health and Genetics/Laboratory Corporation of America, LabCorp
Classification: Uncertain significance. Last evaluated: 2026-02-17. Review status: criteria provided, single submitter. Criteria: LabCorp Variant Classification Summary - May 2015. Collection method: clinical testing. Allele origin: germline.
Comment: Variant summary: COL5A2 c.2072A>G (p.Lys691Arg) results in a conservative amino acid change in the encoded protein sequence. Algorithms developed to predict the effect of missense changes on protein structure and function are either unavailable or do not agree on the potential impact of this missense change. The frequency data for this variant in gnomAD is considered unreliable, as metrics indicate poor data quality at this position. To our knowledge, no occurrence of c.2072A>G in individuals affected with COL5A2-related conditions and no experimental evidence demonstrating its impact on protein function have been reported. ClinVar contains an entry for this variant (Variation ID: 1036599). Based on the evidence outlined above, the variant was classified as uncertain significance.

Ambry Genetics
Classification: Uncertain significance for Familial thoracic aortic aneurysm and aortic dissection. Last evaluated: 2025-08-05. Review status: criteria provided, single submitter. Criteria: Ambry Variant Classification Scheme 2023. Collection method: clinical testing. Allele origin: germline.
Comment: The p.K691R variant (also known as c.2072A>G), located in coding exon 31 of the COL5A2 gene, results from an A to G substitution at nucleotide position 2072. The lysine at codon 691 is replaced by arginine, an amino acid with highly similar properties. This amino acid position is highly conserved in available vertebrate species. In addition, the in silico prediction for this alteration is inconclusive. Based on the available evidence, the clinical significance of this variant remains unclear.

Labcorp Genetics (formerly Invitae), Labcorp
Classification: Uncertain significance for Ehlers-Danlos syndrome, classic type, 1. Last evaluated: 2024-05-21. Review status: criteria provided, single submitter. Criteria: Invitae Variant Classification Sherloc (09022015). Collection method: clinical testing. Allele origin: germline.
Comment: This sequence change replaces lysine, which is basic and polar, with arginine, which is basic and polar, at codon 691 of the COL5A2 protein (p.Lys691Arg). This variant is not present in population databases (gnomAD no frequency). This variant has not been reported in the literature in individuals affected with COL5A2-related conditions. ClinVar contains an entry for this variant (Variation ID: 1036599). Advanced modeling of protein sequence and biophysical properties (such as structural, functional, and spatial information, amino acid conservation, physicochemical variation, residue mobility, and thermodynamic stability) performed at Invitae indicates that this missense variant is not expected to disrupt COL5A2 protein function with a negative predictive value of 80%. In summary, the available evidence is currently insufficient to determine the role of this variant in disease. Therefore, it has been classified as a Variant of Uncertain Significance.

GeneDx
Classification: Uncertain significance. Last evaluated: 2019-07-03. Review status: criteria provided, single submitter. Criteria: GeneDx Variant Classification Process June 2021. Collection method: clinical testing. Allele origin: germline. Affected: yes.
Comment: Has not been previously published as pathogenic or benign to our knowledge; Not observed in large population cohorts (Lek et al., 2016); In silico analysis, which includes protein predictors and evolutionary conservation, supports a deleterious effect

NM_000393.5(COL5A2):c.2072A>G (p.Lys691Arg)

Gene: COL5A2 (collagen type V alpha 2 chain; minus strand). Cytogenetic location: 2q32.2.
Variant type: single nucleotide variant.
Coding change: c.2072A>G on transcript NM_000393.5 (MANE Select); coding-DNA position 2072, A replaced by G.
Protein change: p.Lys691Arg; replaces lysine 691 with arginine.
Molecular consequence: missense variant.
Genome position (GRCh38, 1-based): chr2:189,060,743, T>C on the plus strand (A>G on the coding strand, the complement: COL5A2 is on the minus strand). VCF-style: chr2-189060743-T-C. GRCh37 (hg19) VCF-style: chr2-189925469-T-C.
Other names: short protein forms K691R.
Identifiers: ClinVar variation 1036599 (VCV001036599.13), dbSNP rs142224646, ClinGen allele CA62600589.
Genomic context (GRCh38, chr2:189,060,743, plus strand): 5'-GAGCCAGCAATGTATAGTGTTGCCATTATTATTATTTAAACACTTACTTGATCACCTGGT[T>C]TTCCACCTTCTCCAGGAGGCCCTGGAGGACCAGGAAGCCCCTAAAACAAAAGTAAGAAAA-3'
Protein context (NP_000384.2, residues 681-701): GPPGPPGEGG[Lys691Arg]PGDQGVPGDP